The following continues an entry in ClinVar:

NM_000138.5(FBN1):c.4930C>T (p.Arg1644Ter)

Gene: FBN1. ClinVar aggregate classification (germline): Pathogenic/Likely pathogenic. Pathogenic (10); Likely pathogenic (1).

Submissions 11 to 12 of 12:

GeneDx
Classification: Pathogenic. Last evaluated: 2017-01-17. Review status: criteria provided, single submitter. Criteria: GeneDx Variant Classification (06012015). Collection method: clinical testing. Allele origin: germline. Affected: yes.
Comment: The R1644X pathogenic variant in the FBN1 gene has been published multiple times in association with Marfan syndrome (Loeys et al., 2001; Schrijver et al., 2002; Biggin et al., 2004; Arbustini et al., 2005; Rand-Hendriksen et al., 2007; SÃ¶ylen et al., 2009; Pees et al., 2014). R1644X was reported as a de novo variant in two unrelated patients with Marfan syndrome, although maternity and paternity were not confirmed (Arbustini et al., 2005; SÃ¶ylen et al., 2009). The R1644X variant is predicted to cause loss of normal protein function either by protein truncation or nonsense-mediated mRNA decay. Multiple other downstream nonsense variants in the FBN1 gene have been reported in Human Gene Mutation Database in association with Marfan syndrome or another FBN1-related disorder (Stenson et al., 2014). Furthermore, the R1644X variant is not observed at a significant frequency in large population cohorts (Lek et al., 2016; 1000 Genomes Consortium et al., 2015; Exome Variant Server).

Center for Medical Genetics Ghent, University of Ghent
Classification: Pathogenic for Marfan syndrome. Last evaluated: 2017-11-07. Review status: no assertion criteria provided. Collection method: clinical testing. Allele origin: de novo. Affected: yes. Not counted in ClinVar's aggregate classification.

Literature cited by the submitters: PubMed 17657824 (cited by Labcorp Genetics (formerly Invitae), Labcorp and Women's Health and Genetics/Laboratory Corporation of America, LabCorp); PubMed 19293843 (cited by Labcorp Genetics (formerly Invitae), Labcorp and Women's Health and Genetics/Laboratory Corporation of America, LabCorp); PubMed 11700157 (cited by 5 submitters); PubMed 14695540 (cited by Labcorp Genetics (formerly Invitae), Labcorp and Women's Health and Genetics/Laboratory Corporation of America, LabCorp); PubMed 16222657 (cited by 3 submitters); PubMed 19159394 (cited by 3 submitters); PubMed 24199744 (cited by 4 submitters); PubMed 12068374 (cited by 3 submitters); PubMed 17663468 (cited by 3 submitters); PubMed 19839986 (cited by 3 submitters); PubMed 25652356 (cited by Color Diagnostics, LLC DBA Color Health); PubMed 25656438 (cited by Color Diagnostics, LLC DBA Color Health); PubMed 29768367 (cited by Color Diagnostics, LLC DBA Color Health); PubMed 31098894 (cited by Color Diagnostics, LLC DBA Color Health and Ambry Genetics); PubMed 31536524 (cited by Color Diagnostics, LLC DBA Color Health); PubMed 17253931 (cited by Women's Health and Genetics/Laboratory Corporation of America, LabCorp); PubMed 15241795 (cited by Women's Health and Genetics/Laboratory Corporation of America, LabCorp); PubMed 19328768 (cited by Women's Health and Genetics/Laboratory Corporation of America, LabCorp); PubMed 26787436 (cited by Women's Health and Genetics/Laboratory Corporation of America, LabCorp); PubMed 12938084 (cited by Women's Health and Genetics/Laboratory Corporation of America, LabCorp); PubMed 16342915 (cited by Women's Health and Genetics/Laboratory Corporation of America, LabCorp).